The following is an entry in ClinVar:

ClinVar aggregate classification (germline): Uncertain significance. Review status: criteria provided, multiple submitters, no conflicts (2 of 4 stars). 3 submissions from 3 submitters: Uncertain significance (3). Last evaluated 2025-08-25.

Conditions:
Inborn genetic diseases. Identifiers: MedGen C0950123, MeSH D030342.
TAP1-related disorder. Also called: TAP1-related condition.
MHC class I deficiency. Identifiers: Orphanet 34592, MedGen C6024714, MONDO:0011476.

Allele frequency attached by ClinVar (database versions not stated): gnomAD exomes 0.00019; ExAC 0.00020; ESP Exome Variant Server 0.00024; 1000 Genomes Project 30x 0.00047; TOPMed 0.00053; 1000 Genomes Project 0.00060.

Submissions (3):

Ambry Genetics
Classification: Uncertain significance for Inborn genetic diseases. Last evaluated: 2025-08-25. Review status: criteria provided, single submitter. Criteria: Ambry Variant Classification Scheme 2023. Collection method: clinical testing. Allele origin: germline.

PreventionGenetics, part of Exact Sciences
Classification: Uncertain significance for TAP1-related condition. Last evaluated: 2025-03-12. Review status: criteria provided, single submitter. Criteria: ACMG Guidelines, 2015. Collection method: clinical testing. Allele origin: germline.
Comment: The TAP1 c.1509C>A variant is predicted to result in the amino acid substitution p.Asn503Lys. To our knowledge, this variant has not been reported in the literature. This variant is reported in 0.13% of alleles in individuals of African descent in gnomAD. At this time, the clinical significance of this variant is uncertain due to the absence of conclusive functional and genetic evidence.

Labcorp Genetics (formerly Invitae), Labcorp
Classification: Uncertain significance for MHC class I deficiency 1. Last evaluated: 2024-12-26. Review status: criteria provided, single submitter. Criteria: Invitae Variant Classification Sherloc (09022015). Collection method: clinical testing. Allele origin: germline.
Comment: This sequence change replaces asparagine, which is neutral and polar, with lysine, which is basic and polar, at codon 503 of the TAP1 protein (p.Asn503Lys). This variant is present in population databases (rs138099433, gnomAD 0.1%). This variant has not been reported in the literature in individuals affected with TAP1-related conditions. ClinVar contains an entry for this variant (Variation ID: 942271). An algorithm developed to predict the effect of missense changes on protein structure and function (PolyPhen-2) suggests that this variant¬†is likely to be tolerated. In summary, the available evidence is currently insufficient to determine the role of this variant in disease. Therefore, it has been classified as a Variant of Uncertain Significance.

NM_000593.6(TAP1):c.1329C>A (p.Asn443Lys)

Gene: TAP1 (transporter 1, ATP binding cassette subfamily B member; minus strand). Cytogenetic location: 6p21.32.
Variant type: single nucleotide variant.
Coding change: c.1329C>A on transcript NM_000593.6 (MANE Select); coding-DNA position 1329, C replaced by A.
Protein change: p.Asn443Lys; replaces asparagine 443 with lysine.
Molecular consequence: missense variant.
Genome position (GRCh38, 1-based): chr6:32,849,038, G>T on the plus strand (C>A on the coding strand, the complement: TAP1 is on the minus strand). VCF-style: chr6-32849038-G-T. GRCh37 (hg19) VCF-style: chr6-32816815-G-T.
Other names: c.726C>A, p.Asn242Lys (NM_001292022.2); short protein forms N242K, N443K.
Identifiers: ClinVar variation 942271 (VCV000942271.8), dbSNP rs138099433, ClinGen allele CA3746806.
Genomic context (GRCh38, chr6:32,849,038, plus strand): 5'-GAGGGACCTCACCTCCACAGCCTGGGTGAACTGCATCTGGTAGAGAACAAATGTGACAAG[G>T]TTCCCACTGCTTACAGCCCCACTGGTCACCAGCTGCCCACCAATGTAGAGGATTCCCACT-3'
Protein context (NP_000584.3, residues 433-453): LVTSGAVSSG[Asn443Lys]LVTFVLYQMQ